The following is an entry in ClinVar:

ClinVar aggregate classification (germline): Uncertain significance (1 of 4 stars; one submission).

Conditions:
Amyotrophic lateral sclerosis type 1 (ALS1). Also called: AMYOTROPHIC LATERAL SCLEROSIS 1, FAMILIAL. Identifiers: Orphanet 803, MedGen C1862939, MONDO:0007103, OMIM 105400.
Neuronopathy, distal hereditary motor, type 7B. Also called: HMN VIIB; LOWER MOTOR NEURON DISEASE, DYNACTIN TYPE; NEURONOPATHY, DISTAL HEREDITARY MOTOR, AUTOSOMAL DOMINANT 14; NEURONOPATHY, DISTAL HEREDITARY MOTOR, HARDING TYPE VIIB; NEUROPATHY, DISTAL HEREDITARY MOTOR, HARDING TYPE VIIB; NEUROPATHY, DISTAL HEREDITARY MOTOR, WITH VOCAL CORD PARALYSIS, HARDING TYPE VIIB. Identifiers: Orphanet 139589, MedGen C1843315, MONDO:0011879, OMIM 607641.
Perry syndrome. Also called: PARKINSONISM WITH ALVEOLAR HYPOVENTILATION AND MENTAL DEPRESSION. Identifiers: Orphanet 178509, MedGen C1868594, MONDO:0008201, OMIM 168605.

Submission:

Labcorp Genetics (formerly Invitae), Labcorp
Classification: Uncertain significance for Amyotrophic lateral sclerosis type 1; Neuronopathy, distal hereditary motor, type 7B; Perry syndrome. Last evaluated: 2024-05-21. Review status: criteria provided, single submitter. Criteria: Invitae Variant Classification Sherloc (09022015). Collection method: clinical testing. Allele origin: germline.
Comment: This sequence change falls in intron 5 of the DCTN1 gene. It does not directly change the encoded amino acid sequence of the DCTN1 protein. This variant is not present in population databases (gnomAD no frequency). This variant has not been reported in the literature in individuals affected with DCTN1-related conditions. Algorithms developed to predict the effect of sequence changes on RNA splicing suggest that this variant may create or strengthen a splice site. In summary, the available evidence is currently insufficient to determine the role of this variant in disease. Therefore, it has been classified as a Variant of Uncertain Significance.

NM_004082.5(DCTN1):c.415-12A>G

Gene: DCTN1 (dynactin subunit 1; minus strand). Cytogenetic location: 2p13.1.
Variant type: single nucleotide variant.
Coding change: c.415-12A>G on transcript NM_004082.5 (MANE Select); 12 bases into the intron before coding-DNA position 415, A replaced by G.
Molecular consequence: intron variant. On other transcripts: missense variant (2), initiator codon variant (2).
Genome position (GRCh38, 1-based): chr2:74,374,352, T>C on the plus strand (A>G on the coding strand, the complement: DCTN1 is on the minus strand). VCF-style: chr2-74374352-T-C. GRCh37 (hg19) VCF-style: chr2-74601479-T-C.
Other names: c.1A>G, p.Met1Val (NM_001135041.3, NM_023019.4); c.343-2624A>G (NM_001190836.2); c.364-1404A>G (NM_001378992.1); c.364-12A>G (NM_001378991.1); c.394-2624A>G (NM_001135040.3); c.394-12A>G (NM_001190837.2); short protein forms M1V.
Identifiers: ClinVar variation 3761482 (VCV003761482.2).